The following is an entry in ClinVar:

NM_000081.4(LYST):c.631A>G (p.Lys211Glu)

Gene: LYST (lysosomal trafficking regulator; minus strand). Cytogenetic location: 1q42.3.
Variant type: single nucleotide variant.
Coding change: c.631A>G on transcript NM_000081.4 (MANE Select); coding-DNA position 631, A replaced by G.
Protein change: p.Lys211Glu; replaces lysine 211 with glutamic acid.
Molecular consequence: missense variant.
Genome position (GRCh38, 1-based): chr1:235,810,187, T>C on the plus strand (A>G on the coding strand, the complement: LYST is on the minus strand). VCF-style: chr1-235810187-T-C. GRCh37 (hg19) VCF-style: chr1-235973487-T-C.
Other names: c.631A>G, p.Lys211Glu (NM_001301365.1); short protein forms K211E.
Identifiers: ClinVar variation 2053879 (VCV002053879.1), dbSNP rs1178893236, ClinGen allele CA344964801.

ClinVar aggregate classification (germline): Uncertain significance (1 of 4 stars; one submission).

Conditions:
Chédiak-Higashi syndrome (CHS). Also called: Chediak-Higashi Syndrome. Identifiers: Orphanet 167, MedGen C0007965, MONDO:0008963, OMIM 214500.

Allele frequency attached by ClinVar (database versions not stated): gnomAD 0.00001.
gnomAD v4.1: 1 of 1,614,022 alleles (0.000062%); highest among the groups gnomAD compares: Non-Finnish European, 0.000085%; no homozygotes.

Submission:

Labcorp Genetics (formerly Invitae), Labcorp
Classification: Uncertain significance for Chédiak-Higashi syndrome. Last evaluated: 2021-12-11. Review status: criteria provided, single submitter. Criteria: Invitae Variant Classification Sherloc (09022015). Collection method: clinical testing. Allele origin: germline.
Comment: This sequence change replaces lysine, which is basic and polar, with glutamic acid, which is acidic and polar, at codon 211 of the LYST protein (p.Lys211Glu). This variant is present in population databases (no rsID available, gnomAD 0.007%). This variant has not been reported in the literature in individuals affected with LYST-related conditions. Algorithms developed to predict the effect of missense changes on protein structure and function are either unavailable or do not agree on the potential impact of this missense change (SIFT: "Tolerated"; PolyPhen-2: "Probably Damaging"; Align-GVGD: "Class C0"). In summary, the available evidence is currently insufficient to determine the role of this variant in disease. Therefore, it has been classified as a Variant of Uncertain Significance.